The following is an entry in ClinVar:

NM_001367624.2(ZNF469):c.7036A>G (p.Thr2346Ala)

Gene: ZNF469 (zinc finger protein 469; plus strand). Cytogenetic location: 16q24.2.
Variant type: single nucleotide variant.
Coding change: c.7036A>G on transcript NM_001367624.2 (MANE Select); coding-DNA position 7036, A replaced by G.
Protein change: p.Thr2346Ala; replaces threonine 2346 with alanine.
Molecular consequence: missense variant.
Genome position (GRCh38, 1-based): chr16:88,434,506, A>G. VCF-style: chr16-88434506-A-G. GRCh37 (hg19) VCF-style: chr16-88500914-A-G.
Other names: NM_001127464.1:c.6952A>G; short protein forms T2346A.
Identifiers: ClinVar variation 1756298 (VCV001756298.2), dbSNP rs1007241324, ClinGen allele CA286382265.

ClinVar aggregate classification (germline): Uncertain significance (1 of 4 stars; one submission).

Conditions:
Cardiovascular phenotype. Identifiers: MedGen CN230736.

Allele frequency attached by ClinVar (database versions not stated): gnomAD exomes below 0.00001; gnomAD 0.00001; TOPMed 0.00002.
gnomAD v4.1: 8 of 1,550,096 alleles (0.00052%); highest among the groups gnomAD compares: Non-Finnish European, 0.0007%; no homozygotes.

Submission:

Ambry Genetics
Classification: Uncertain significance for Cardiovascular phenotype. Last evaluated: 2024-02-22. Review status: criteria provided, single submitter. Criteria: Ambry Variant Classification Scheme 2023. Collection method: clinical testing. Allele origin: germline.
Comment: The p.T2318A variant (also known as c.6952A>G), located in coding exon 2 of the ZNF469 gene, results from an A to G substitution at nucleotide position 6952. The threonine at codon 2318 is replaced by alanine, an amino acid with similar properties. This amino acid position is conserved. In addition, this alteration is predicted to be tolerated by in silico analysis. Since supporting evidence is limited at this time, the clinical significance of this alteration remains unclear.